The following is an entry in ClinVar:

ClinVar aggregate classification (germline): Uncertain significance. Review status: criteria provided, multiple submitters, no conflicts (2 of 4 stars). 2 submissions from 2 submitters: Uncertain significance (2). Last evaluated 2025-03-23.

Conditions:
Cardiovascular phenotype. Identifiers: MedGen CN230736.
Arrhythmogenic right ventricular dysplasia 10. Also called: Arrhythmogenic Right Ventricular Dysplasia/Cardiomyopathy10; Arrhythmogenic right ventricular dysplasia/cardiomyopathy, type 10; ARRHYTHMOGENIC RIGHT VENTRICULAR DYSPLASIA, FAMILIAL, 10. Identifiers: MedGen C1857777, MONDO:0012434, OMIM 610193.

gnomAD v4.1: 2 of 1,614,220 alleles (0.00012%); highest among the groups gnomAD compares: Non-Finnish European, 0.00017%; no homozygotes.

Submissions (2):

Ambry Genetics
Classification: Uncertain significance for Cardiovascular phenotype. Last evaluated: 2025-03-23. Review status: criteria provided, single submitter. Criteria: Ambry Variant Classification Scheme 2023. Collection method: clinical testing. Allele origin: germline.
Comment: The p.S526G variant (also known as c.1576A>G), located in coding exon 11 of the DSG2 gene, results from an A to G substitution at nucleotide position 1576. The serine at codon 526 is replaced by glycine, an amino acid with similar properties. This amino acid position is conserved. In addition, this alteration is predicted to be tolerated by in silico analysis. Based on the available evidence, the clinical significance of this variant remains unclear.

Labcorp Genetics (formerly Invitae), Labcorp
Classification: Uncertain significance for Arrhythmogenic right ventricular dysplasia 10. Last evaluated: 2024-03-11. Review status: criteria provided, single submitter. Criteria: Invitae Variant Classification Sherloc (09022015). Collection method: clinical testing. Allele origin: germline.
Comment: This sequence change replaces serine, which is neutral and polar, with glycine, which is neutral and non-polar, at codon 526 of the DSG2 protein (p.Ser526Gly). This variant is not present in population databases (gnomAD no frequency). This variant has not been reported in the literature in individuals affected with DSG2-related conditions. Advanced modeling of protein sequence and biophysical properties (such as structural, functional, and spatial information, amino acid conservation, physicochemical variation, residue mobility, and thermodynamic stability) performed at Invitae indicates that this missense variant is not expected to disrupt DSG2 protein function with a negative predictive value of 95%. In summary, the available evidence is currently insufficient to determine the role of this variant in disease. Therefore, it has been classified as a Variant of Uncertain Significance.

NM_001943.5(DSG2):c.1576A>G (p.Ser526Gly)

Gene: DSG2 (desmoglein 2; plus strand). Cytogenetic location: 18q12.1.
Variant type: single nucleotide variant.
Coding change: c.1576A>G on transcript NM_001943.5 (MANE Select); coding-DNA position 1576, A replaced by G.
Protein change: p.Ser526Gly; replaces serine 526 with glycine.
Molecular consequence: missense variant.
Genome position (GRCh38, 1-based): chr18:31,536,354, A>G. VCF-style: chr18-31536354-A-G. GRCh37 (hg19) VCF-style: chr18-29116317-A-G.
Other names: short protein forms S526G.
Identifiers: ClinVar variation 3704067 (VCV003704067.3).